The following is an entry in ClinVar:

NM_004380.3(CREBBP):c.151_166del (p.Leu51fs)

Gene: CREBBP (CREB binding lysine acetyltransferase; minus strand). Cytogenetic location: 16p13.3.
Variant type: Deletion.
Coding change: c.151_166del on transcript NM_004380.3 (MANE Select); coding-DNA positions 151 to 166, 16 bases deleted (TTAGGCCTTTTAAACA).
Protein change: p.Leu51fs; shifts the reading frame from leucine 51.
Molecular consequence: frameshift variant.
Genome position (GRCh38, 1-based): chr16:3,850,929-3,850,944, TGTTTAAAAGGCCTAA deleted on the plus strand (TTAGGCCTTTTAAACA on the coding strand, the reverse complement: CREBBP is on the minus strand); deleting any 16 consecutive bases within chr16:3,850,929-3,850,945 gives the same sequence; the c. name uses the placement nearest the transcript's 3' end. VCF-style (leftmost placement, unchanged base first): chr16-3850928-CTGTTTAAAAGGCCTAA-C. GRCh37 (hg19) VCF-style: chr16-3900929-CTGTTTAAAAGGCCTAA-C.
Other names: c.151_166del, p.Leu51fs (NM_001079846.1); short protein forms L51fs.
Identifiers: ClinVar variation 4880806 (VCV004880806.2).
Genomic context (GRCh38, chr16:3,850,928, plus strand): 5'-CCTCGTAGAAGCTCCGACAGTTGTTTATGTTTGGAAGCAGCATCTGGAACAAGGTTCCCA[CTGTTTAAAAGGCCTAA>C]TTCTCCTCCATTGGGTATCAGCTCATCAGGAAGATCATTTTCCAAGTCAAACAATGATCC-3'

ClinVar aggregate classification (germline): Likely pathogenic (1 of 4 stars; one submission).

Submission:

Dasa
Classification: Likely pathogenic. Last evaluated: 2025-03-10. Review status: criteria provided, single submitter. Criteria: DASA Assertion Criteria. Collection method: clinical testing. Allele origin: germline.
Comment: NM_004380.3(CREBBP):c.151_166del (p.Leu51Valfs*31) is a frameshift variant in CREBBP predicted to alter the reading frame and introduce a premature termination codon and is predicted to result in an absent or altered protein product. Loss of function is an established disease mechanism for CREBBP (PMID: 17473832; PMID: 20717166; PMID: 18792986). Also, this variant is absent from population databases. Based on the currently available evidence, this variant is classified as likely pathogenic.

Literature cited by the submitters: PubMed 17473832; PubMed 20717166; PubMed 18792986.